The following is an entry in ClinVar:

NM_033056.4(PCDH15):c.5725C>T (p.Arg1909Cys)

Gene: PCDH15 (protocadherin related 15; minus strand). Cytogenetic location: 10q21.1.
Variant type: single nucleotide variant.
Coding change: c.5725C>T on transcript NM_033056.4 (MANE Plus Clinical); coding-DNA position 5725, C replaced by T.
Protein change: p.Arg1909Cys; replaces arginine 1909 with cysteine.
Molecular consequence: missense variant. On other transcripts: intron variant (8).
Genome position (GRCh38, 1-based): chr10:53,822,001, G>A on the plus strand (C>T on the coding strand, the complement: PCDH15 is on the minus strand). VCF-style: chr10-53822001-G-A. GRCh37 (hg19) VCF-style: chr10-55581761-G-A.
Other names: c.5656C>T, p.Arg1886Cys (NM_001142773.2); c.5659C>T, p.Arg1887Cys (NM_001354404.2); c.4367+5392C>T (NM_001354420.2); c.4368-3988C>T (NM_001354429.2); c.4368-1771C>T (NM_001384140.1); c.4373+3135C>T (NM_001142772.2, NM_001142770.3); c.4388+3135C>T (NM_001142771.2); c.4388+5392C>T (NM_001354411.2); and 7 more; short protein forms R1869C, R1886C, R1840C, R1909C, R1887C, R1911C, R1916C, R1889C.
Identifiers: ClinVar variation 1525552 (VCV001525552.6), dbSNP rs373813469, ClinGen allele CA5504974.

ClinVar aggregate classification (germline): Uncertain significance. Review status: criteria provided, multiple submitters, no conflicts (2 of 4 stars). 2 submissions from 2 submitters: Uncertain significance (2). Last evaluated 2023-11-28.

Allele frequency attached by ClinVar (database versions not stated): TOPMed 0.00005; gnomAD 0.00006 and 0.00005; ExAC 0.00009; gnomAD exomes 0.00007; ESP Exome Variant Server 0.00008.
gnomAD v4.1: 55 of 1,613,814 alleles (0.0034%); highest among the groups gnomAD compares: East Asian, 0.011%; no homozygotes.

Submissions (2):

Blueprint Genetics
Classification: Uncertain significance. Last evaluated: 2023-11-28. Review status: criteria provided, single submitter. Criteria: ACMG Guidelines, 2015. Collection method: clinical testing. Allele origin: germline.

Labcorp Genetics (formerly Invitae), Labcorp
Classification: Uncertain significance. Last evaluated: 2022-08-22. Review status: criteria provided, single submitter. Criteria: Invitae Variant Classification Sherloc (09022015). Collection method: clinical testing. Allele origin: germline.
Comment: This sequence change replaces arginine, which is basic and polar, with cysteine, which is neutral and slightly polar, at codon 1909 of the PCDH15 protein (p.Arg1909Cys). This variant is present in population databases (rs373813469, gnomAD 0.009%). This variant has not been reported in the literature in individuals affected with PCDH15-related conditions. ClinVar contains an entry for this variant (Variation ID: 1525552). Algorithms developed to predict the effect of missense changes on protein structure and function are either unavailable or do not agree on the potential impact of this missense change (SIFT: "Tolerated"; PolyPhen-2: "Not Available"; Align-GVGD: "Class C0"). In summary, the available evidence is currently insufficient to determine the role of this variant in disease. Therefore, it has been classified as a Variant of Uncertain Significance.